The following is an entry in ClinVar:

ClinVar aggregate classification (germline): Uncertain significance. Review status: criteria provided, multiple submitters, no conflicts (2 of 4 stars). 2 submissions from 2 submitters: Uncertain significance (2). Last evaluated 2023-05-27.

Conditions:
Hereditary cancer-predisposing syndrome. Also called: Hereditary Cancer Syndrome; Hereditary neoplastic syndrome; Neoplastic Syndromes, Hereditary; Tumor predisposition. Identifiers: Orphanet 140162, MedGen C0027672, MeSH D009386, MONDO:0015356.
Hereditary nonpolyposis colorectal neoplasms. Identifiers: MedGen C0009405, MeSH D003123.

Allele frequency attached by ClinVar (database versions not stated): gnomAD exomes below 0.00001.
gnomAD v4.1: 1 of 1,613,830 alleles (0.000062%); highest among the groups gnomAD compares: Non-Finnish European, 0.000085%; no homozygotes.

Submissions (2):

Labcorp Genetics (formerly Invitae), Labcorp
Classification: Uncertain significance for Hereditary nonpolyposis colorectal neoplasms. Last evaluated: 2023-05-27. Review status: criteria provided, single submitter. Criteria: Invitae Variant Classification Sherloc (09022015). Collection method: clinical testing. Allele origin: germline.
Comment: This variant is not present in population databases (gnomAD no frequency). ClinVar contains an entry for this variant (Variation ID: 1750939). This variant has not been reported in the literature in individuals affected with MSH6-related conditions. This sequence change replaces serine, which is neutral and polar, with leucine, which is neutral and non-polar, at codon 200 of the MSH6 protein (p.Ser200Leu). In summary, the available evidence is currently insufficient to determine the role of this variant in disease. Therefore, it has been classified as a Variant of Uncertain Significance. Advanced modeling of protein sequence and biophysical properties (such as structural, functional, and spatial information, amino acid conservation, physicochemical variation, residue mobility, and thermodynamic stability) performed at Invitae indicates that this missense variant is not expected to disrupt MSH6 protein function.

Ambry Genetics
Classification: Uncertain significance for Hereditary cancer-predisposing syndrome. Last evaluated: 2020-01-20. Review status: criteria provided, single submitter. Criteria: Ambry Variant Classification Scheme 2023. Collection method: clinical testing. Allele origin: germline.
Comment: The p.S200L variant (also known as c.599C>T), located in coding exon 3 of the MSH6 gene, results from a C to T substitution at nucleotide position 599. The serine at codon 200 is replaced by leucine, an amino acid with dissimilar properties. This amino acid position is highly conserved in available vertebrate species. In addition, this alteration is predicted to be deleterious by in silico analysis. Since supporting evidence is limited at this time, the clinical significance of this alteration remains unclear.

NM_000179.3(MSH6):c.599C>T (p.Ser200Leu)

Gene: MSH6 (mutS homolog 6; plus strand). Cytogenetic location: 2p16.3.
Variant type: single nucleotide variant.
Coding change: c.599C>T on transcript NM_000179.3 (MANE Select); coding-DNA position 599, C replaced by T.
Protein change: p.Ser200Leu; replaces serine 200 with leucine.
Molecular consequence: missense variant. On other transcripts: 5 prime UTR variant (1), intron variant (2).
Genome position (GRCh38, 1-based): chr2:47,796,035, C>T. VCF-style: chr2-47796035-C-T. GRCh37 (hg19) VCF-style: chr2-48023174-C-T.
Other names: c.-304C>T (NM_001281494.2); c.695C>T, p.Ser232Leu (NM_001406795.1, NM_001406802.1); c.599C>T, p.Ser200Leu (NM_001406796.1, NM_001406798.1, NM_001406800.1 and 5 more transcripts); c.302C>T, p.Ser101Leu (NM_001406797.1, NM_001406801.1, NM_001406805.1 and 10 more transcripts); c.74C>T, p.Ser25Leu (NM_001406799.1, NM_001406806.1, NM_001406807.1); c.521C>T, p.Ser174Leu (NM_001406804.1); c.605C>T, p.Ser202Leu (NM_001406813.1); c.-396C>T (NM_001406814.1); and 3 more; short protein forms S101L, S202L, S25L, S144L, S174L, S200L, S232L.
Identifiers: ClinVar variation 1750939 (VCV001750939.5), dbSNP rs63751077, ClinGen allele CA346738852.